The following is an entry in ClinVar:

ClinVar aggregate classification (germline): Uncertain significance. Review status: criteria provided, multiple submitters, no conflicts (2 of 4 stars). 5 submissions from 5 submitters: Uncertain significance (4). 1 of the submissions does not count toward it. Last evaluated 2021-12-20.

Conditions:
Neuronal ceroid lipofuscinosis. Also called: Neuronal Ceroid Lipofuscinoses. Identifiers: Orphanet 216, Orphanet 79263, MedGen C0027877, MONDO:0016295. Disease mechanism: loss of function.
Neuronal ceroid lipofuscinosis 3 (CLN3). Identifiers: Orphanet 228346, MedGen C0751383, MONDO:0008767, OMIM 204200.

Submissions (5):

New York Genome Center
Classification: Uncertain significance for Neuronal ceroid lipofuscinosis 3. Last evaluated: 2021-12-20. Review status: criteria provided, single submitter. Criteria: NYGC Assertion Criteria 2020. Collection method: clinical testing. Allele origin: germline. Observed: 1 heterozygote. Study: CSER-NYCKidSeq.

Genome-Nilou Lab
Classification: Uncertain significance for Neuronal ceroid lipofuscinosis 3. Last evaluated: 2021-09-05. Review status: criteria provided, single submitter. Criteria: ACMG Guidelines, 2015. Collection method: clinical testing. Allele origin: germline. Affected: no.

Labcorp Genetics (formerly Invitae), Labcorp
Classification: Uncertain significance for Neuronal ceroid lipofuscinosis. Last evaluated: 2021-09-01. Review status: criteria provided, single submitter. Criteria: Invitae Variant Classification Sherloc (09022015). Collection method: clinical testing. Allele origin: germline.
Comment: This sequence change replaces glutamic acid with aspartic acid at codon 257 of the CLN3 protein (p.Glu257Asp). The glutamic acid residue is moderately conserved and there is a small physicochemical difference between glutamic acid and aspartic acid. This variant is not present in population databases (ExAC no frequency). This variant has not been reported in the literature in individuals affected with CLN3-related conditions. ClinVar contains an entry for this variant (Variation ID: 497479). Algorithms developed to predict the effect of missense changes on protein structure and function (SIFT, PolyPhen-2, Align-GVGD) all suggest that this variant is likely to be tolerated. In summary, the available evidence is currently insufficient to determine the role of this variant in disease. Therefore, it has been classified as a Variant of Uncertain Significance.

Eurofins Ntd Llc (ga)
Classification: Uncertain significance. Last evaluated: 2016-10-13. Review status: criteria provided, single submitter. Criteria: EGL Classification Definitions 2015. Collection method: clinical testing. Allele origin: germline. Observed: 1 variant allele, 1 heterozygote.

Natera, Inc.
Classification: Uncertain significance for Batten Disease. Last evaluated: 2019-05-20. Review status: no assertion criteria provided. Collection method: clinical testing. Allele origin: germline. Not counted in ClinVar's aggregate classification.

NM_001042432.2(CLN3):c.771G>C (p.Glu257Asp)

Gene: CLN3 (CLN3 lysosomal/endosomal transmembrane protein, battenin; minus strand). Cytogenetic location: 16p12.1.
Variant type: single nucleotide variant.
Coding change: c.771G>C on transcript NM_001042432.2 (MANE Select); coding-DNA position 771, G replaced by C.
Protein change: p.Glu257Asp; replaces glutamic acid 257 with aspartic acid.
Molecular consequence: missense variant.
Genome position (GRCh38, 1-based): chr16:28,484,025, C>G on the plus strand (G>C on the coding strand, the complement: CLN3 is on the minus strand). VCF-style: chr16-28484025-C-G. GRCh37 (hg19) VCF-style: chr16-28495346-C-G.
Other names: c.771G>C, p.Glu257Asp (NM_000086.2); c.699G>C, p.Glu233Asp (NM_001286104.2); c.471G>C, p.Glu157Asp (NM_001286105.2); c.537G>C, p.Glu179Asp (NM_001286109.2); c.609G>C, p.Glu203Asp (NM_001286110.2); short protein forms E257D, E157D, E179D, E203D, E233D.
Identifiers: ClinVar variation 497479 (VCV000497479.19), dbSNP rs73533466, ClinGen allele CA395344728.